The following is an entry in ClinVar:

ClinVar aggregate classification (germline): Uncertain significance (1 of 4 stars; one submission).

Submission:

GeneDx
Classification: Uncertain significance. Last evaluated: 2023-03-02. Review status: criteria provided, single submitter. Criteria: GeneDx Variant Classification Process June 2021. Collection method: clinical testing. Allele origin: germline. Affected: yes.
Comment: Not observed at significant frequency in large population cohorts (gnomAD); Nonsense variant predicted to result in protein truncation or nonsense mediated decay in a gene or region of a gene for which loss of function is not a well-established mechanism of disease; Has not been previously published as pathogenic or benign to our knowledge

NM_001376.5(DYNC1H1):c.6535C>T (p.Arg2179Ter)

Gene: DYNC1H1 (dynein cytoplasmic 1 heavy chain 1; plus strand). Cytogenetic location: 14q32.31.
Variant type: single nucleotide variant.
Coding change: c.6535C>T on transcript NM_001376.5 (MANE Select); coding-DNA position 6535, C replaced by T.
Protein change: p.Arg2179Ter; replaces arginine 2179 with a stop codon.
Molecular consequence: nonsense.
Genome position (GRCh38, 1-based): chr14:102,010,869, C>T. VCF-style: chr14-102010869-C-T. GRCh37 (hg19) VCF-style: chr14-102477206-C-T.
Other names: short protein forms R2179*.
Identifiers: ClinVar variation 1302435 (VCV001302435.2), dbSNP rs147905977, ClinGen allele CA391055844.